The following is an entry in ClinVar:

ClinVar aggregate classification (germline): Uncertain significance. Review status: criteria provided, multiple submitters, no conflicts (2 of 4 stars). 4 submissions from 4 submitters: Uncertain significance (3). 1 of the submissions does not count toward it. Last evaluated 2025-08-18.

Conditions:
Autosomal recessive limb-girdle muscular dystrophy type 2A (LGMDR1). Also called: Muscular dystrophy, limb-girdle, type 2A, Amish; LEYDEN-MOEBIUS MUSCULAR DYSTROPHY; MUSCULAR DYSTROPHY, PELVOFEMORAL; Calpainopathy; Limb-girdle muscular dystrophy, type 2A. Identifiers: Orphanet 267, MedGen C1869123, MONDO:0009675, OMIM 253600. Disease mechanism: loss of function.

Allele frequency attached by ClinVar (database versions not stated): gnomAD 0.00002 and 0.00003; TOPMed 0.00004; ExAC 0.00006; 1000 Genomes Project 30x 0.00016; 1000 Genomes Project 0.00020.

Submissions (4):

Myriad Genetics, Inc.
Classification: Uncertain significance for Autosomal recessive limb-girdle muscular dystrophy type 2A. Last evaluated: 2025-08-18. Review status: criteria provided, single submitter. Criteria: Myriad Autosomal Dominant, Autosomal Recessive and X-Linked Classification Criteria (2023). Collection method: clinical testing. Allele origin: unknown.
Comment: NM_000070.2(CAPN3):c.944G>A(R315Q) is a missense variant classified as a variant of uncertain significance in the context of calpainopathy. R315Q has been observed in a case with relevant disease (PMID: 39678382). Relevant functional assessments of this variant are not available in the literature. R315Q has been observed in referenced population frequency databases. In summary, there is insufficient evidence to classify NM_000070.2(CAPN3):c.944G>A(R315Q) as pathogenic or benign. Please note: this variant was assessed in the context of healthy population screening.

Labcorp Genetics (formerly Invitae), Labcorp
Classification: Uncertain significance for Autosomal recessive limb-girdle muscular dystrophy type 2A. Last evaluated: 2024-12-08. Review status: criteria provided, single submitter. Criteria: Invitae Variant Classification Sherloc (09022015). Collection method: clinical testing. Allele origin: germline.
Comment: This sequence change replaces arginine, which is basic and polar, with glutamine, which is neutral and polar, at codon 315 of the CAPN3 protein (p.Arg315Gln). This variant is present in population databases (rs201155077, gnomAD 0.02%). This variant has not been reported in the literature in individuals affected with CAPN3-related conditions. ClinVar contains an entry for this variant (Variation ID: 651712). An algorithm developed to predict the effect of missense changes on protein structure and function (PolyPhen-2) suggests that this variant¬†is likely to be tolerated. In summary, the available evidence is currently insufficient to determine the role of this variant in disease. Therefore, it has been classified as a Variant of Uncertain Significance.

Blueprint Genetics
Classification: Uncertain significance. Last evaluated: 2023-07-05. Review status: criteria provided, single submitter. Criteria: ACMG Guidelines, 2015. Collection method: clinical testing. Allele origin: germline.

Natera, Inc.
Classification: Uncertain significance for Limb-girdle muscular dystrophy type 2A. Last evaluated: 2020-04-17. Review status: no assertion criteria provided. Collection method: clinical testing. Allele origin: germline. Not counted in ClinVar's aggregate classification.

Literature cited by the submitters: PubMed 39678382 (cited by Myriad Genetics, Inc.).

NM_000070.3(CAPN3):c.944G>A (p.Arg315Gln)

Gene: CAPN3 (calpain 3; plus strand). Cytogenetic location: 15q15.1.
Variant type: single nucleotide variant.
Coding change: c.944G>A on transcript NM_000070.3 (MANE Select); coding-DNA position 944, G replaced by A.
Protein change: p.Arg315Gln; replaces arginine 315 with glutamine.
Molecular consequence: missense variant. On other transcripts: intron variant (1).
Genome position (GRCh38, 1-based): chr15:42,390,095, G>A. VCF-style: chr15-42390095-G-A. GRCh37 (hg19) VCF-style: chr15-42682293-G-A.
Other names: c.944G>A, p.Arg315Gln (NM_024344.2); c.801+999G>A (NM_173087.2); short protein forms R315Q.
Identifiers: ClinVar variation 651712 (VCV000651712.10), dbSNP rs201155077, ClinGen allele CA7511174.